The following is an entry in ClinVar:

NM_032119.4(ADGRV1):c.558+207T>G

Gene: ADGRV1 (adhesion G protein-coupled receptor V1; plus strand). Cytogenetic location: 5q14.3.
Variant type: single nucleotide variant.
Coding change: c.558+207T>G on transcript NM_032119.4 (MANE Select); 207 bases into the intron after coding-DNA position 558, T replaced by G.
Molecular consequence: intron variant.
Genome position (GRCh38, 1-based): chr5:90,622,908, T>G. VCF-style: chr5-90622908-T-G. GRCh37 (hg19) VCF-style: chr5-89918725-T-G.
Identifiers: ClinVar variation 674374 (VCV000674374.1), dbSNP rs6891287, ClinGen allele CA11936528.

ClinVar aggregate classification (germline): Benign (1 of 4 stars; one submission).

Allele frequency attached by ClinVar (database versions not stated): 1000 Genomes Project 30x 0.42114; 1000 Genomes Project 0.42752; gnomAD 0.44045 and 0.44438; TOPMed 0.44687.
gnomAD v4.1: 67,686 of 151,870 alleles (45%); highest among the groups gnomAD compares: Admixed American, 59%; 16,224 homozygotes.

Submission:

GeneDx
Classification: Benign. Last evaluated: 2018-06-14. Review status: criteria provided, single submitter. Criteria: GeneDx Variant Classification (06012015). Collection method: clinical testing. Allele origin: germline. Affected: yes.
Comment: This variant is considered likely benign or benign based on one or more of the following criteria: it is a conservative change, it occurs at a poorly conserved position in the protein, it is predicted to be benign by multiple in silico algorithms, and/or has population frequency not consistent with disease.